The following is an entry in ClinVar:

NM_000381.4(MID1):c.1563C>T (p.Arg521=)

Gene: MID1 (midline 1; minus strand). Cytogenetic location: Xp22.2.
Variant type: single nucleotide variant.
Coding change: c.1563C>T on transcript NM_000381.4 (MANE Select); coding-DNA position 1563, C replaced by T.
Protein change: p.Arg521=; no amino-acid change (arginine 521 retained).
Molecular consequence: synonymous variant.
Genome position (GRCh38, 1-based): chrX:10,454,962, G>A on the plus strand (C>T on the coding strand, the complement: MID1 is on the minus strand). VCF-style: chrX-10454962-G-A. GRCh37 (hg19) VCF-style: chrX-10423002-G-A.
Other names: c.1563C>T, p.Arg521= (NM_001098624.2, NM_001193277.1, NM_001347733.2 and 1 more transcripts); c.1449C>T, p.Arg483= (NM_033289.2).
Identifiers: ClinVar variation 5039181 (VCV005039181.1).

ClinVar aggregate classification (germline): Likely benign (1 of 4 stars; one submission).

Submission:

CeGaT Center for Human Genetics Tuebingen
Classification: Likely benign. Last evaluated: 2026-07-01. Review status: criteria provided, single submitter. Criteria: CeGaT Center For Human Genetics Tuebingen Variant Classification Criteria Version 2. Collection method: clinical testing. Allele origin: germline. Affected: yes. Observed: 1 variant allele.
Comment: MID1: BP4, BS2